The following is an entry in ClinVar:

ClinVar aggregate classification (germline): Likely pathogenic (1 of 4 stars; one submission).

Submission:

GeneDx
Classification: Likely pathogenic. Last evaluated: 2025-10-30. Review status: criteria provided, single submitter. Criteria: GeneDx Variant Classification Process June 2021. Collection method: clinical testing. Allele origin: germline. Affected: yes.
Comment: Not observed at significant frequency in large population cohorts (gnomAD); In silico analysis supports that this missense variant has a deleterious effect on protein structure/function; Has not been previously published as pathogenic or benign to our knowledge

NM_014991.6(WDFY3):c.6335A>T (p.Gln2112Leu)

Gene: WDFY3 (WD repeat and FYVE domain containing 3; minus strand). Cytogenetic location: 4q21.23.
Variant type: single nucleotide variant.
Coding change: c.6335A>T on transcript NM_014991.6 (MANE Select); coding-DNA position 6335, A replaced by T.
Protein change: p.Gln2112Leu; replaces glutamine 2112 with leucine.
Molecular consequence: missense variant.
Genome position (GRCh38, 1-based): chr4:84,740,316, T>A on the plus strand (A>T on the coding strand, the complement: WDFY3 is on the minus strand). VCF-style: chr4-84740316-T-A. GRCh37 (hg19) VCF-style: chr4-85661469-T-A.
Other names: short protein forms Q2112L.
Identifiers: ClinVar variation 3371345 (VCV003371345.2).